The following is an entry in ClinVar:

NM_033305.3(VPS13A):c.8105+3_8105+6del

Gene: VPS13A (vacuolar protein sorting 13 homolog A; plus strand). Cytogenetic location: 9q21.2.
Variant type: Microsatellite.
Coding change: c.8105+3_8105+6del on transcript NM_033305.3 (MANE Select); bases 3 to 6 of the intron after coding-DNA position 8105, 4 bases deleted (AAGT; older notation c.8105+3_8105+6delAAGT).
Molecular consequence: splice donor variant.
Genome position (GRCh38, 1-based): chr9:77,359,405-77,359,408, AAGT deleted; deleting any 4 consecutive bases within chr9:77,359,400-77,359,408 gives the same sequence; the c. name uses the placement nearest the transcript's 3' end. VCF-style (leftmost placement, unchanged base first): chr9-77359399-TTAAG-T. GRCh37 (hg19) VCF-style: chr9-79974315-TTAAG-T.
Other names: c.7988+3_7988+6del (NM_001018037.2); c.8105+3_8105+6del (NM_015186.4, NM_001018038.3); c.8105+3_8105+6delAAGT (NM_033305.3).
Identifiers: ClinVar variation 3902669 (VCV003902669.1).

ClinVar aggregate classification (germline): Uncertain significance (1 of 4 stars; one submission).

Submission:

Women's Health and Genetics/Laboratory Corporation of America, LabCorp
Classification: Uncertain significance. Last evaluated: 2025-05-27. Review status: criteria provided, single submitter. Criteria: LabCorp Variant Classification Summary - May 2015. Collection method: clinical testing. Allele origin: germline.
Comment: Variant summary: VPS13A c.8105+3_8105+6delAAGT alters a conserved nucleotide located close to a canonical splice site and therefore could affect mRNA splicing, leading to a significantly altered protein sequence. Several computational tools predict a significant impact on normal splicing: Four predict the variant abolishes a canonical 5' splicing donor site. However, these predictions have yet to be confirmed by functional studies. The variant was absent in 250962 control chromosomes. The available data on variant occurrences in the general population are insufficient to allow any conclusion about variant significance. c.8105+3_8105+6delAAGT has been observed in individual(s) affected with Choreoacanthocytosis (example: Walker_2012) . These data do not allow any conclusion about variant significance. To our knowledge, no experimental evidence demonstrating an impact on protein function has been reported. The following publication has been ascertained in the context of this evaluation (PMID: 22038564). No submitters have cited clinical-significance assessments for this variant to ClinVar. Based on the evidence outlined above, the variant was classified as uncertain significance.

Literature cited by the submitters: PubMed 22038564.